The following is an entry in ClinVar:

NM_001918.5(DBT):c.1292G>C (p.Arg431Pro)

Gene: DBT (dihydrolipoamide branched chain transacylase E2; minus strand). Cytogenetic location: 1p21.2.
Variant type: single nucleotide variant.
Coding change: c.1292G>C on transcript NM_001918.5 (MANE Select); coding-DNA position 1292, G replaced by C.
Protein change: p.Arg431Pro; replaces arginine 431 with proline.
Molecular consequence: missense variant.
Genome position (GRCh38, 1-based): chr1:100,196,412, C>G on the plus strand (G>C on the coding strand, the complement: DBT is on the minus strand). VCF-style: chr1-100196412-C-G. GRCh37 (hg19) VCF-style: chr1-100661968-C-G.
Other names: short protein forms R431P.
Identifiers: ClinVar variation 1254256 (VCV001254256.5), dbSNP rs776490043, ClinGen allele CA969477.
Genomic context (GRCh38, chr1:100,196,412, plus strand): 5'-TCAGCTGACCAGCTCACATTCATTATCTGTGCCTTATATACTTCTCCTTTCTGGTTAAAT[C>G]GGGGAATGGCCTAGAAATGAAAAAAAAAAAAAAAAAAAAAAAAAAAAGAACAAAGAGTAA-3'
Protein context (NP_001909.4, residues 421-441): GALGSIKAIP[Arg431Pro]FNQKGEVYKA

ClinVar aggregate classification (germline): Conflicting classifications of pathogenicity. Review status: criteria provided, conflicting classifications (1 of 4 stars). 2 submissions from 2 submitters: Pathogenic (1); Uncertain significance (1). Last evaluated 2023-12-11.

Conditions:
Maple syrup urine disease (MSUD). Identifiers: Orphanet 511, MedGen C0024776, MeSH D008375, MONDO:0009563. Disease mechanism: loss of function.

Allele frequency attached by ClinVar (database versions not stated): ExAC 0.00001.

Submissions (2):

Labcorp Genetics (formerly Invitae), Labcorp
Classification: Pathogenic for Maple syrup urine disease. Last evaluated: 2023-12-11. Review status: criteria provided, single submitter. Criteria: Invitae Variant Classification Sherloc (09022015). Collection method: clinical testing. Allele origin: germline.
Comment: This sequence change replaces arginine, which is basic and polar, with proline, which is neutral and non-polar, at codon 431 of the DBT protein (p.Arg431Pro). This variant is present in population databases (rs776490043, gnomAD 0.01%). This missense change has been observed in individual(s) with maple syrup urine disease (Invitae). ClinVar contains an entry for this variant (Variation ID: 1254256). Advanced modeling of protein sequence and biophysical properties (such as structural, functional, and spatial information, amino acid conservation, physicochemical variation, residue mobility, and thermodynamic stability) performed at Invitae indicates that this missense variant is expected to disrupt DBT protein function with a positive predictive value of 95%. Algorithms developed to predict the effect of sequence changes on RNA splicing suggest that this variant may disrupt the consensus splice site. For these reasons, this variant has been classified as Pathogenic.

GeneDx
Classification: Uncertain significance. Last evaluated: 2021-01-20. Review status: criteria provided, single submitter. Criteria: GeneDx Variant Classification Process June 2021. Collection method: clinical testing. Allele origin: germline. Affected: yes.
Comment: Has not been previously published as pathogenic or benign to our knowledge; Not observed at a significant frequency in large population cohorts (Lek et al., 2016); In silico analysis supports that this missense variant has a deleterious effect on protein structure/function